The following is an entry in ClinVar:

NM_022089.4(ATP13A2):c.1317C>T (p.Gly439=)

Gene: ATP13A2 (ATPase cation transporting 13A2; minus strand). Cytogenetic location: 1p36.13.
Variant type: single nucleotide variant.
Coding change: c.1317C>T on transcript NM_022089.4 (MANE Select); coding-DNA position 1317, C replaced by T.
Protein change: p.Gly439=; no amino-acid change (glycine 439 retained).
Molecular consequence: synonymous variant.
Genome position (GRCh38, 1-based): chr1:16,996,290, G>A on the plus strand (C>T on the coding strand, the complement: ATP13A2 is on the minus strand). VCF-style: chr1-16996290-G-A. GRCh37 (hg19) VCF-style: chr1-17322785-G-A.
Other names: c.1302C>T, p.Gly434= (NM_001141973.3, NM_001141974.3).
Identifiers: ClinVar variation 1305731 (VCV001305731.6), dbSNP rs775625778, ClinGen allele CA637262.
Genomic context (GRCh38, chr1:16,996,290, plus strand): 5'-CCCCACCCCACCCCCAAGGCTTACCCGGTTTCGGTAGAGGATGAAGATGCTGTAGATGGT[G>A]CCGAGGAGAGCTGTGGGGACAGCGAAGGACTGAGTGGGATTTGGGACCCAGGTGGGGGGG-3'
Protein context (NP_071372.1, residues 429-449): VAALSVLALL[Gly439=]TIYSIFILYR

ClinVar aggregate classification (germline): Conflicting classifications of pathogenicity. Review status: criteria provided, conflicting classifications (1 of 4 stars). 2 submissions from 2 submitters: Uncertain significance (1); Likely benign (1). Last evaluated 2022-07-19.

Conditions:
Kufor-Rakeb syndrome (KRS). Also called: PARKINSON DISEASE 9, AUTOSOMAL RECESSIVE, JUVENILE-ONSET. Identifiers: Orphanet 306674, Orphanet 314632, MedGen C1847640, MONDO:0011706, OMIM 606693.
Autosomal recessive spastic paraplegia type 78. Identifiers: Orphanet 513436, MedGen C5567893, MONDO:0014975, OMIM 617225.

Allele frequency attached by ClinVar (database versions not stated): gnomAD exomes below 0.00001; ExAC 0.00001.
gnomAD v4.1: 3 of 1,614,202 alleles (0.00019%); highest among the groups gnomAD compares: Admixed American, 0.0017%; no homozygotes.

Submissions (2):

Labcorp Genetics (formerly Invitae), Labcorp
Classification: Likely benign for Kufor-Rakeb syndrome; Autosomal recessive spastic paraplegia type 78. Last evaluated: 2022-07-19. Review status: criteria provided, single submitter. Criteria: Invitae Variant Classification Sherloc (09022015). Collection method: clinical testing. Allele origin: germline.

GeneDx
Classification: Uncertain significance. Last evaluated: 2020-11-30. Review status: criteria provided, single submitter. Criteria: GeneDx Variant Classification Process June 2021. Collection method: clinical testing. Allele origin: germline. Affected: yes.
Comment: Not observed at a significant frequency in large population cohorts (Lek et al., 2016); In silico analysis supports that this variant does not alter splicing; Has not been previously published as pathogenic or benign to our knowledge